The following is an entry in ClinVar:

NM_004713.6(NEMF):c.1790C>G (p.Ala597Gly)

Gene: NEMF (nuclear export mediator factor; minus strand). Cytogenetic location: 14q21.3.
Variant type: single nucleotide variant.
Coding change: c.1790C>G on transcript NM_004713.6 (MANE Select); coding-DNA position 1790, C replaced by G.
Protein change: p.Ala597Gly; replaces alanine 597 with glycine.
Molecular consequence: missense variant.
Genome position (GRCh38, 1-based): chr14:49,806,088, G>C on the plus strand (C>G on the coding strand, the complement: NEMF is on the minus strand). VCF-style: chr14-49806088-G-C. GRCh37 (hg19) VCF-style: chr14-50272806-G-C.
Other names: c.1727C>G, p.Ala576Gly (NM_001301732.3); short protein forms A576G, A597G.
Identifiers: ClinVar variation 3382441 (VCV003382441.2).

ClinVar aggregate classification (germline): Uncertain significance (1 of 4 stars; one submission).

Conditions:
Intellectual developmental disorder with speech delay and axonal peripheral neuropathy. Identifiers: MedGen C5436813, MONDO:0030849, OMIM 619099.

gnomAD v4.1: 80 of 1,612,370 alleles (0.005%); highest among the groups gnomAD compares: East Asian, 0.083%; no homozygotes.

Submission:

Juno Genomics, Hangzhou Juno Genomics, Inc
Classification: Uncertain significance for Intellectual developmental disorder with speech delay and axonal peripheral neuropathy. Review status: criteria provided, single submitter. Criteria: ACMG Guidelines, 2015. Collection method: clinical testing. Allele origin: germline. Affected: yes.
Comment: Absent from controls (or at extremely low frequency if recessive) in Genome Aggregation Database, Exome Sequencing Project, 1000 Genomes Project, or Exome Aggregation Consortium.